The following is an entry in ClinVar:

ClinVar aggregate classification (germline): Uncertain significance. Review status: criteria provided, multiple submitters, no conflicts (2 of 4 stars). 2 submissions from 2 submitters: Uncertain significance (2). Last evaluated 2025-11-09.

Conditions:
Hereditary cancer-predisposing syndrome. Also called: Tumor predisposition; Neoplastic Syndromes, Hereditary; Hereditary Cancer Syndrome; Hereditary neoplastic syndrome. Identifiers: Orphanet 140162, MedGen C0027672, MeSH D009386, MONDO:0015356.
Tuberous sclerosis 2 (TSC2). Identifiers: Orphanet 805, MedGen C1860707, MONDO:0013199, OMIM 613254.

Submissions (2):

Ambry Genetics
Classification: Uncertain significance for Hereditary cancer-predisposing syndrome. Last evaluated: 2025-11-09. Review status: criteria provided, single submitter. Criteria: Ambry Variant Classification Scheme 2023. Collection method: clinical testing. Allele origin: germline.
Comment: The p.A1546V variant (also known as c.4637C>T), located in coding exon 35 of the TSC2 gene, results from a C to T substitution at nucleotide position 4637. The alanine at codon 1546 is replaced by valine, an amino acid with similar properties. This amino acid position is not well conserved in available vertebrate species. In addition, this alteration is predicted to be deleterious by in silico analysis. Since supporting evidence is limited at this time, the clinical significance of this alteration remains unclear.

Labcorp Genetics (formerly Invitae), Labcorp
Classification: Uncertain significance for Tuberous sclerosis 2. Last evaluated: 2025-02-09. Review status: criteria provided, single submitter. Criteria: Invitae Variant Classification Sherloc (09022015). Collection method: clinical testing. Allele origin: germline.
Comment: This sequence change replaces alanine, which is neutral and non-polar, with valine, which is neutral and non-polar, at codon 1546 of the TSC2 protein (p.Ala1546Val). This variant is not present in population databases (gnomAD no frequency). This variant has not been reported in the literature in individuals affected with TSC2-related conditions. ClinVar contains an entry for this variant (Variation ID: 2626432). Invitae Evidence Modeling of protein sequence and biophysical properties (such as structural, functional, and spatial information, amino acid conservation, physicochemical variation, residue mobility, and thermodynamic stability) indicates that this missense variant is not expected to disrupt TSC2 protein function with a negative predictive value of 95%. In summary, the available evidence is currently insufficient to determine the role of this variant in disease. Therefore, it has been classified as a Variant of Uncertain Significance.

NM_000548.5(TSC2):c.4637C>T (p.Ala1546Val)

Gene: TSC2 (TSC complex subunit 2; plus strand). Cytogenetic location: 16p13.3.
Variant type: single nucleotide variant.
Coding change: c.4637C>T on transcript NM_000548.5 (MANE Select); coding-DNA position 4637, C replaced by T.
Protein change: p.Ala1546Val; replaces alanine 1546 with valine.
Molecular consequence: missense variant. On other transcripts: non-coding transcript variant (5).
Genome position (GRCh38, 1-based): chr16:2,085,297, C>T. VCF-style: chr16-2085297-C-T. GRCh37 (hg19) VCF-style: chr16-2135298-C-T.
Other names: c.4508C>T, p.Ala1503Val (NM_021055.3, NM_001370405.1); c.4436C>T, p.Ala1479Val (NM_001077183.3); c.4568C>T, p.Ala1523Val (NM_001114382.3); c.4328C>T, p.Ala1443Val (NM_001318827.2); c.4292C>T, p.Ala1431Val (NM_001318829.2); c.3905C>T, p.Ala1302Val (NM_001318831.2); c.4469C>T, p.Ala1490Val (NM_001318832.2); c.4439C>T, p.Ala1480Val (NM_001363528.2); and 26 more; short protein forms A1054V, A1302V, A1322V, A1346V, A1431V, A1479V, A1486V, A1503V.
Identifiers: ClinVar variation 2626432 (VCV002626432.5), dbSNP rs2151552752, ClinGen allele CA394304934.